The following is an entry in ClinVar:

ClinVar aggregate classification (germline): Pathogenic (1 of 4 stars; one submission).

Conditions:
Alport syndrome. Also called: Hemorrhagic familial nephritis; Hemorrhagic hereditary nephritis; Congenital hereditary hematuria. Identifiers: Orphanet 63, MedGen C1567741, MONDO:0018965.

Submission:

Myriad Genetics, Inc.
Classification: Pathogenic for Alport syndrome. Last evaluated: 2024-04-03. Review status: criteria provided, single submitter. Criteria: Myriad Autosomal Dominant, Autosomal Recessive and X-Linked Classification Criteria (2023). Collection method: clinical testing. Allele origin: unknown.
Comment: NM_000092.4(COL4A4):c.1624G>T(G542*) is expected to be pathogenic in the context of Alport syndrome, COL4A4-related. This variant is predicted to lead to an abnormal or absent protein product due to the creation of a premature termination codon in COL4A4, a gene where loss-of-function variants are known to be pathogenic. Please note: this variant was assessed in the context of healthy population screening.

NM_000092.5(COL4A4):c.1624G>T (p.Gly542Ter)

Gene: COL4A4 (collagen type IV alpha 4 chain; minus strand). Cytogenetic location: 2q36.3.
Variant type: single nucleotide variant.
Coding change: c.1624G>T on transcript NM_000092.5 (MANE Select); coding-DNA position 1624, G replaced by T.
Protein change: p.Gly542Ter; replaces glycine 542 with a stop codon.
Molecular consequence: nonsense.
Genome position (GRCh38, 1-based): chr2:227,082,187, C>A on the plus strand (G>T on the coding strand, the complement: COL4A4 is on the minus strand). VCF-style: chr2-227082187-C-A. GRCh37 (hg19) VCF-style: chr2-227946903-C-A.
Other names: short protein forms G542*.
Identifiers: ClinVar variation 5012891 (VCV005012891.1).